The following is an entry in ClinVar:

ClinVar aggregate classification (germline): Benign. Review status: criteria provided, multiple submitters, no conflicts (2 of 4 stars). 7 submissions from 7 submitters: Benign (4). 3 of the submissions do not count toward it. Last evaluated 2026-01-12.

Conditions:
Frontotemporal dementia (FTD1). Also called: Frontotemporal Dementia with Parkinsonism-17 (FTDP-17); FRONTOTEMPORAL DEMENTIA WITH PARKINSONISM; FRONTOTEMPORAL LOBE DEMENTIA; MULTIPLE SYSTEM TAUOPATHY WITH PRESENILE DEMENTIA; Dementia, frontotemporal, with or without parkinsonism; WILHELMSEN-LYNCH DISEASE. Identifiers: Orphanet 282, MedGen C0338451, MONDO:0017276, OMIM 600274, HP:0002145.

Allele frequency attached by ClinVar (database versions not stated): 1000 Genomes Project 30x 0.08682; 1000 Genomes Project 0.08766; gnomAD 0.14364 and 0.14668; TOPMed 0.15018; ESP Exome Variant Server 0.16451.
gnomAD v4.1: 303,840 of 1,606,114 alleles (19%); highest among the groups gnomAD compares: Non-Finnish European, 22%; 32,668 homozygotes.

Submissions (7):

Labcorp Genetics (formerly Invitae), Labcorp
Classification: Benign for Frontotemporal dementia. Last evaluated: 2026-01-12. Review status: criteria provided, single submitter. Criteria: Invitae Variant Classification Sherloc (09022015). Collection method: clinical testing. Allele origin: germline.

GeneDx
Classification: Benign. Last evaluated: 2018-08-11. Review status: criteria provided, single submitter. Criteria: GeneDx Variant Classification Process June 2021. Collection method: clinical testing. Allele origin: germline. Affected: yes.
Comment: This variant is associated with the following publications: (PMID: 30679340, 23222517)

Breakthrough Genomics
Classification: Benign. Review status: criteria provided, single submitter. Criteria: ACMG Guidelines, 2015. Collection method: not provided. Allele origin: germline. Inheritance: Autosomal recessive inheritance. Affected: yes.

PreventionGenetics, part of Exact Sciences
Classification: Benign. Review status: criteria provided, single submitter. Criteria: ACMG Guidelines, 2015. Collection method: clinical testing. Allele origin: germline.

Clinical Genetics, Academic Medical Center
Classification: Benign. Review status: no assertion criteria provided. Collection method: clinical testing. Allele origin: germline. Affected: yes. Study: VKGL Data-share Consensus. Not counted in ClinVar's aggregate classification.

Genome Diagnostics Laboratory, Amsterdam University Medical Center
Classification: Benign. Review status: no assertion criteria provided. Collection method: clinical testing. Allele origin: germline. Affected: yes. Study: VKGL Data-share Consensus. Not counted in ClinVar's aggregate classification.

VIB  Department of Molecular Genetics, University of Antwerp
No classification provided. Review status: no classification provided. Collection method: not provided. Allele origin: not provided. Not counted in ClinVar's aggregate classification.

NM_001377265.1(MAPT):c.830C>T (p.Pro277Leu)

Gene: MAPT (microtubule associated protein tau). Cytogenetic location: 17q21.31.
Variant type: single nucleotide variant.
Coding change: c.830C>T on transcript NM_001377265.1 (MANE Select); coding-DNA position 830, C replaced by T.
Protein change: p.Pro277Leu; replaces proline 277 with leucine.
Molecular consequence: missense variant. On other transcripts: intron variant (8).
Genome position (GRCh38, 1-based): chr17:45,983,409, C>T. VCF-style: chr17-45983409-C-T. GRCh37 (hg19) VCF-style: chr17-44060775-C-T.
Other names: c.605C>T, p.Pro202Leu (NM_001123066.4, NM_016835.5); c.830C>T, p.Pro277Leu (NM_001377266.1); c.200-3631C>T (NM_001377268.1, NM_016834.5, NM_016841.5); c.374-3631C>T (NM_005910.6, NM_001203252.2); c.287-3631C>T (NM_001123067.4, NM_001203251.2, NM_001377267.1); short protein forms P202L, P277L.
Identifiers: ClinVar variation 98244 (VCV000098244.14), dbSNP rs63750417, ClinGen allele CA225519.